The following is an entry in ClinVar:

NM_001042492.3(NF1):c.3315A>T (p.Lys1105Asn)

Gene: NF1 (neurofibromin 1; plus strand). Cytogenetic location: 17q11.2.
Variant type: single nucleotide variant.
Coding change: c.3315A>T on transcript NM_001042492.3 (MANE Select); coding-DNA position 3315, A replaced by T.
Protein change: p.Lys1105Asn; replaces lysine 1105 with asparagine.
Molecular consequence: missense variant.
Genome position (GRCh38, 1-based): chr17:31,232,700, A>T. VCF-style: chr17-31232700-A-T. GRCh37 (hg19) VCF-style: chr17-29559718-A-T.
Other names: c.3315A>T, p.Lys1105Asn (NM_000267.4); short protein forms K1105N.
Identifiers: ClinVar variation 1730124 (VCV001730124.2), dbSNP rs1555614915, ClinGen allele CA398988958.

ClinVar aggregate classification (germline): Uncertain significance (1 of 4 stars; one submission).

Conditions:
Hereditary cancer-predisposing syndrome. Also called: Neoplastic Syndromes, Hereditary; Tumor predisposition; Hereditary Cancer Syndrome; Hereditary neoplastic syndrome. Identifiers: Orphanet 140162, MedGen C0027672, MeSH D009386, MONDO:0015356.
Cardiovascular phenotype. Identifiers: MedGen CN230736.

Submission:

Ambry Genetics
Classification: Uncertain significance for Cardiovascular phenotype; Hereditary cancer-predisposing syndrome. Last evaluated: 2021-12-29. Review status: criteria provided, single submitter. Criteria: Ambry Variant Classification Scheme 2023. Collection method: clinical testing. Allele origin: germline.
Comment: The p.K1105N variant (also known as c.3315A>T) is located in coding exon 26 of the NF1 gene. The lysine at codon 1105 is replaced by asparagine, an amino acid with similar properties. This change occurs in the first base pair of coding exon 26. This amino acid position is highly conserved in available vertebrate species. In addition, this alteration is predicted to be tolerated by in silico analysis. Since supporting evidence is limited at this time, the clinical significance of this alteration remains unclear.